The following is an entry in ClinVar:

ClinVar aggregate classification (germline): Benign. Review status: criteria provided, multiple submitters, no conflicts (2 of 4 stars). 2 submissions from 2 submitters: Benign (2). Last evaluated 2018-01-12.

Conditions:
Growth delay due to insulin-like growth factor I resistance. Also called: Somatomedin end-organ insensitivity to; Somatomedin-c resistance to; IGF-1 resistance; IGF-I RESISTANCE; Insulin-Like Growth Factor I Resistance. Identifiers: Orphanet 73273, MedGen C1849157, MONDO:0010038, OMIM 270450.

Allele frequency attached by ClinVar (database versions not stated): TOPMed 0.44361; 1000 Genomes Project 30x 0.47236; 1000 Genomes Project 0.48323; gnomAD exomes 0.51655.
gnomAD v4.1: 111,585 of 233,420 alleles (48%); highest among the groups gnomAD compares: South Asian, 61%; 27,453 homozygotes.

Submissions (2):

Illumina Laboratory Services, Illumina
Classification: Benign for Growth delay due to insulin-like growth factor I resistance. Last evaluated: 2018-01-12. Review status: criteria provided, single submitter. Criteria: ICSL Variant Classification Criteria 13 December 2019. Collection method: clinical testing. Allele origin: germline.
Comment: This variant was observed in the ICSL laboratory as part of a predisposition screen in an ostensibly healthy population. It had not been previously curated by ICSL or reported in the Human Gene Mutation Database (HGMD: prior to June 1st, 2018), and was therefore a candidate for classification through an automated scoring system. Utilizing variant allele frequency, disease prevalence and penetrance estimates, and inheritance mode, an automated score was calculated to assess if this variant is too frequent to cause the disease. Based on the score and internal cut-off values, a variant classified as benign is not then subjected to further curation. The score for this variant resulted in a classification of benign for this disease.

Breakthrough Genomics
Classification: Benign. Review status: criteria provided, single submitter. Criteria: ACMG Guidelines, 2015. Collection method: not provided. Allele origin: germline. Inheritance: Autosomal dominant inheritance. Affected: yes.

NM_000875.5(IGF1R):c.*3129G>T

Gene: IGF1R (insulin like growth factor 1 receptor; plus strand). Cytogenetic location: 15q26.3.
Variant type: single nucleotide variant.
Coding change: c.*3129G>T on transcript NM_000875.5 (MANE Select); 3129 bases downstream of the stop codon, G replaced by T.
Molecular consequence: 3 prime UTR variant.
Genome position (GRCh38, 1-based): chr15:98,960,571, G>T. VCF-style: chr15-98960571-G-T. GRCh37 (hg19) VCF-style: chr15-99503800-G-T.
Other names: c.*3129G>T (NM_001291858.2).
Identifiers: ClinVar variation 317546 (VCV000317546.6), dbSNP rs2016347, ClinGen allele CA10647580.